The following is an entry in ClinVar:

ClinVar aggregate classification (germline): Conflicting classifications of pathogenicity. Review status: criteria provided, conflicting classifications (1 of 4 stars). 2 submissions from 2 submitters: Uncertain significance (1); Likely benign (1). Last evaluated 2025-01-03.

Conditions:
Hereditary cancer-predisposing syndrome. Also called: Hereditary neoplastic syndrome; Neoplastic Syndromes, Hereditary; Tumor predisposition; Hereditary Cancer Syndrome. Identifiers: Orphanet 140162, MedGen C0027672, MeSH D009386, MONDO:0015356.
Hereditary diffuse gastric adenocarcinoma (HDGC). Also called: DIFFUSE GASTRIC AND LOBULAR BREAST CANCER SYNDROME. Identifiers: Orphanet 26106, MedGen C1708349, MONDO:0007648, OMIM 137215.

Allele frequency attached by ClinVar (database versions not stated): gnomAD exomes 0.00001.
gnomAD v4.1: 3 of 1,614,232 alleles (0.00019%); highest among the groups gnomAD compares: Non-Finnish European, 0.00025%; no homozygotes.

Submissions (2):

Ambry Genetics
Classification: Likely benign for Hereditary cancer-predisposing syndrome. Last evaluated: 2025-01-03. Review status: criteria provided, single submitter. Criteria: Ambry Variant Classification Scheme 2023. Collection method: clinical testing. Allele origin: germline.

Labcorp Genetics (formerly Invitae), Labcorp
Classification: Uncertain significance for Hereditary diffuse gastric adenocarcinoma. Last evaluated: 2024-11-30. Review status: criteria provided, single submitter. Criteria: Invitae Variant Classification Sherloc (09022015). Collection method: clinical testing. Allele origin: germline.
Comment: This sequence change replaces glutamic acid, which is acidic and polar, with lysine, which is basic and polar, at codon 504 of the CDH1 protein (p.Glu504Lys). This variant is not present in population databases (gnomAD no frequency). This variant has not been reported in the literature in individuals affected with CDH1-related conditions. ClinVar contains an entry for this variant (Variation ID: 481081). An algorithm developed to predict the effect of missense changes on protein structure and function outputs the following: PolyPhen-2: "Benign". The lysine amino acid residue is found in multiple mammalian species, which suggests that this missense change does not adversely affect protein function. In summary, the available evidence is currently insufficient to determine the role of this variant in disease. Therefore, it has been classified as a Variant of Uncertain Significance.

NM_004360.5(CDH1):c.1510G>A (p.Glu504Lys)

Gene: CDH1 (cadherin 1; plus strand). Cytogenetic location: 16q22.1.
Variant type: single nucleotide variant.
Coding change: c.1510G>A on transcript NM_004360.5 (MANE Select); coding-DNA position 1510, G replaced by A.
Protein change: p.Glu504Lys; replaces glutamic acid 504 with lysine.
Molecular consequence: missense variant. On other transcripts: 5 prime UTR variant (2).
Genome position (GRCh38, 1-based): chr16:68,815,704, G>A. VCF-style: chr16-68815704-G-A. GRCh37 (hg19) VCF-style: chr16-68849607-G-A.
Other names: c.1510G>A (LRG_301t1); c.1327G>A, p.Glu443Lys (NM_001317184.2); c.-39G>A (NM_001317185.2); c.-310G>A (NM_001317186.2); short protein forms E504K, E443K.
Identifiers: ClinVar variation 481081 (VCV000481081.14), dbSNP rs1555516170, ClinGen allele CA396463320.